The following is an entry in ClinVar:

NM_024675.4(PALB2):c.194C>T (p.Pro65Leu)

Gene: PALB2 (partner and localizer of BRCA2; minus strand). Cytogenetic location: 16p12.2.
Variant type: single nucleotide variant.
Coding change: c.194C>T on transcript NM_024675.4 (MANE Select); coding-DNA position 194, C replaced by T.
Protein change: p.Pro65Leu; replaces proline 65 with leucine.
Molecular consequence: missense variant.
Genome position (GRCh38, 1-based): chr16:23,637,867, G>A on the plus strand (C>T on the coding strand, the complement: PALB2 is on the minus strand). VCF-style: chr16-23637867-G-A. GRCh37 (hg19) VCF-style: chr16-23649188-G-A.
Other names: p.P65L:CCG>CTG; short protein forms P65L.
Identifiers: ClinVar variation 128124 (VCV000128124.93), dbSNP rs62625272, ClinGen allele CA161321.

ClinVar aggregate classification (germline): Conflicting classifications of pathogenicity. Review status: criteria provided, conflicting classifications (1 of 4 stars). 22 submissions from 22 submitters: Uncertain significance (11); Likely benign (4). 7 of the submissions do not count toward it. Last evaluated 2026-07-29.

Conditions:
PALB2-related disorder. Also called: PALB2-related disorders; PALB2-related condition.
Hereditary cancer-predisposing syndrome. Also called: Neoplastic Syndromes, Hereditary; Hereditary Cancer Syndrome; Tumor predisposition; Hereditary neoplastic syndrome. Identifiers: Orphanet 140162, MedGen C0027672, MeSH D009386, MONDO:0015356.
Familial cancer of breast. Also called: hereditary breast carcinoma; BREAST CANCER, FAMILIAL; Hereditary breast cancer. Identifiers: Orphanet 227535, MedGen C0346153, MONDO:0016419, OMIM 114480. Disease mechanism: loss of function.
Pancreatic cancer, susceptibility to, 3. Identifiers: Orphanet 1333, MedGen C3150547, MONDO:0013236, OMIM 613348.

Allele frequency attached by ClinVar (database versions not stated): gnomAD 0.00004; ExAC 0.00005; gnomAD exomes 0.00005 and 0.00006; TOPMed 0.00010; ESP Exome Variant Server 0.00015.
gnomAD v4.1: 93 of 1,612,258 alleles (0.0058%); highest among the groups gnomAD compares: Non-Finnish European, 0.0072%; no homozygotes.

Submissions 1 to 9 of 22:

PreventionGenetics, part of Exact Sciences
Classification: Uncertain significance for PALB2-related condition. Last evaluated: 2026-07-29. Review status: criteria provided, single submitter. Criteria: ACMG Guidelines, 2015. Collection method: clinical testing. Allele origin: germline.
Comment: The PALB2 c.194C>T variant is predicted to result in the amino acid substitution p.Pro65Leu. This variant has been reported in multiple individuals with a personal or family history of breast and ovarian cancer, pancreatic cancer, or lynch syndrome-associated malignancies (see for examples, Adank et al. 2011. PubMed ID: 20582465; Zhen et al. 2015. PubMed ID: 25356972; Damiola et al. 2015. PubMed ID: 26564480; Table S4, Ramus et al. 2015. PubMed ID: 26315354; Table S2, Yurgelun et al. 2015. PubMed ID: 25980754). This variant is reported in 0.0093% of alleles in individuals of European (Non-Finnish) descent in gnomAD and has conflicting interpretations in ClinVar, ranging from likely benign to uncertain (Variation ID: 128124). Although we suspect that this variant may be benign, at this time, the clinical significance of this variant is uncertain due to the absence of conclusive functional and genetic evidence.

CeGaT Center for Human Genetics Tuebingen
Classification: Likely benign. Last evaluated: 2026-07-01. Review status: criteria provided, single submitter. Criteria: CeGaT Center For Human Genetics Tuebingen Variant Classification Criteria Version 2. Collection method: clinical testing. Allele origin: germline. Affected: yes. Observed: 4 variant alleles.
Comment: PALB2: BP1, BP4, BS3:Supporting

Labcorp Genetics (formerly Invitae), Labcorp
Classification: Uncertain significance for Familial cancer of breast. Last evaluated: 2026-01-20. Review status: criteria provided, single submitter. Criteria: Invitae Variant Classification Sherloc (09022015). Collection method: clinical testing. Allele origin: germline.
Comment: This sequence change replaces proline, which is neutral and non-polar, with leucine, which is neutral and non-polar, at codon 65 of the PALB2 protein (p.Pro65Leu). The frequency data for this variant in the population databases is considered unreliable, as metrics indicate poor data quality at this position in the gnomAD database. This missense change has been observed in individual(s) with breast, ovarian, and/or pancreatic cancer (PMID: 20582465, 25356972, 26315354, 26564480, 35264596). This missense change has been observed to co-occur in individuals with a different variant in PALB2 that has been determined to be pathogenic (internal data), but the significance of this finding is unclear. ClinVar contains an entry for this variant (Variation ID: 128124). An algorithm developed to predict the effect of missense changes on protein structure and function outputs the following: PolyPhen-2: "Benign". The leucine amino acid residue is found in multiple mammalian species, which suggests that this missense change does not adversely affect protein function. Experimental studies have shown that this missense change does not substantially affect PALB2 function (PMID: 31586400). In summary, the available evidence is currently insufficient to determine the role of this variant in disease. Therefore, it has been classified as a Variant of Uncertain Significance.

Center for Genomic Medicine, Rigshospitalet, Copenhagen University Hospital
Classification: Uncertain significance. Last evaluated: 2025-12-29. Review status: criteria provided, single submitter. Criteria: ACMG Guidelines, 2015. Collection method: clinical testing. Allele origin: germline.
Comment: Classification criteria: BP1

Women's Health and Genetics/Laboratory Corporation of America, LabCorp
Classification: Uncertain significance. Last evaluated: 2025-10-14. Review status: criteria provided, single submitter. Criteria: LabCorp Variant Classification Summary - May 2015. Collection method: clinical testing. Allele origin: germline.
Comment: Variant summary: PALB2 c.194C>T (p.Pro65Leu) results in a non-conservative amino acid change in the encoded protein sequence. Algorithms developed to predict the effect of missense changes on protein structure and function are either unavailable or do not agree on the potential impact of this missense change. The variant allele was found at a frequency of 4.8e-05 in 251470 control chromosomes, predominantly at a frequency of 9.7e-05 within the Non-Finnish European subpopulation in the gnomAD database. However, the variant was observed in the North-western European subpopulation with an even higher allele frequency, 0.00016 (i.e. 8/50814 alleles), and this frequency is similar to the estimated maximal expected allele frequency for a pathogenic variant in PALB2 causing Hereditary Breast and Ovarian Cancer phenotype (0.00016), suggesting that the variant might be a benign polymorphism. The variant, c.194C>T, has been reported in the literature in individuals affected with breast cancer and other tumor phenotypes, however it was also reported in several unaffected controls (e.g. Adank_2011, Bodian_2014, Zhen_2015, Yurgelun_2015, Thompson_2015, Ramus_2015, Damiola_2015, Decker_2017, Hauke_2018, Guindalini_2022, Bhai_2021, Fortuno_2024). In a recent large study evaluating breast cancer cases and controls in the Breast Cancer Association Consortium (BCAC), the variant was reported in 12/60466 cases, but was also found in 11/53461 controls, suggesting no increased relative risk for breast cancer development (Dorling_2021 through LOVD). In addition, at least one publication reported experimental evidence evaluating an impact on protein function and demonstrated that the variant protein had BRCA1-binding similar to wild-type, and had normal function in a drug sensitivity (PARP inhibitor) assay (Rodrigue_2019). The following publications have been ascertained in the context of this evaluation (PMID: 20582465, 24728327, 26564480, 28779002, 33471991, 35264596, 29522266, 33139182, 26315354, 31586400, 26283626, 25980754, 25356972, 34326862, 39402389). ClinVar contains an entry for this variant (Variation ID: 128124). Based on the evidence outlined above, the variant was classified as VUS-possibly benign.

Quest Diagnostics Nichols Institute San Juan Capistrano
Classification: Uncertain significance. Last evaluated: 2025-02-19. Review status: criteria provided, single submitter. Criteria: Quest Diagnostics criteria. Collection method: clinical testing. Allele origin: unknown.
Comment: The PALB2 c.194C>T (p.Pro65Leu) variant has been reported in the published literature in individuals with breast cancer (PMID: 29522266 (2018), 28779002 (2017), 26564480 (2015)), ovarian cancer (PMID: 32546565 (2021), 26315354 (2015)), uterine cancer (PMID: 34326862 (2021)), pancreatic cancer (PMID: 25356972 (2015)), Lynch syndrome (PMID: 25980754 (2015)), and Brazilian individuals with breast cancer (PMID: 35264596 (2022)). This variant has also been observed in reportedly healthy individuals (PMID: 28779002 (2017), 26283626 (2015)), in a cohort of reportedly healthy individuals under the age of 50 (PMID: 24728327 (2014)) and in a large scale breast cancer association study, with breast cancer cases and reportedly healthy individuals (PMID: 33471991 (2021), see also LOVD). Functional studies demonstrated that this variant is not damaging to protein function (PMID: 33314489 (2012)) and it has benign/likely benign effects in saturation genome editing assays measuring DNA repair-dependent cell survival (PMIDs: 39779848 (2025), 39779857 (2025)). The frequency of this variant in the general population (Genome Aggregation Database) is uninformative in the assessment of its pathogenicity. Analysis of this variant using bioinformatics tools for the prediction of the effect of amino acid changes on protein structure and function yielded predictions that this variant is benign. Based on the available information, we are unable to determine the clinical significance of this variant.

GeneDx
Classification: Uncertain significance. Last evaluated: 2024-11-04. Review status: criteria provided, single submitter. Criteria: GeneDx Variant Classification Process June 2021. Collection method: clinical testing. Allele origin: germline. Affected: yes.
Comment: Observed in individuals with PALB2-related and other cancers, but also in healthy controls (PMID: 20582465, 25356972, 26564480, 26315354, 26283626, 25980754, 28779002, 29522266, 32546565, 35264596, 36605468); Published functional studies suggest no damaging effect: PARP inhibitor sensitivity and BRCA1 interaction comparable to wild type (PMID: 31586400); In silico analysis supports that this missense variant has a deleterious effect on protein structure/function; This variant is associated with the following publications: (PMID: 20582465, 24728327, 25356972, 26283626, 26564480, 25980754, 28779002, 26315354, 29522266, 33471991, 32546565, 20871615, 19369211, 35264596, 36605468, 31586400, 34326862)

Molecular Pathology, Peter Maccallum Cancer Centre
Classification: Uncertain significance for Familial cancer of breast. Last evaluated: 2024-06-24. Review status: criteria provided, single submitter. Criteria: ACMG Guidelines, 2015. Collection method: clinical testing. Allele origin: germline. Inheritance: Autosomal dominant inheritance.

Ambry Genetics
Classification: Likely benign for Hereditary cancer-predisposing syndrome. Last evaluated: 2024-04-03. Review status: criteria provided, single submitter. Criteria: Ambry Variant Classification Scheme 2023. Collection method: clinical testing. Allele origin: germline.